The following is an entry in ClinVar:

NM_000444.6(PHEX):c.2239C>T (p.Arg747Ter)

Genes: PHEX (phosphate regulating endopeptidase X-linked; plus strand), PTCHD1-AS (PTCHD1 and PHEX antisense RNA; minus strand). Cytogenetic location: Xp22.11.
Variant type: single nucleotide variant.
Coding change: c.2239C>T on transcript NM_000444.6 (MANE Select); coding-DNA position 2239, C replaced by T.
Protein change: p.Arg747Ter; replaces arginine 747 with a stop codon.
Molecular consequence: nonsense. On other transcripts: 3 prime UTR variant (1).
Genome position (GRCh38, 1-based): chrX:22,247,942, C>T. VCF-style: chrX-22247942-C-T. GRCh37 (hg19) VCF-style: chrX-22266059-C-T.
Other names: c.*74C>T (NM_001282754.2); short protein forms R747*.
Identifiers: ClinVar variation 279873 (VCV000279873.25), dbSNP rs886041227, ClinGen allele CA10603470.
Genomic context (GRCh38, chrX:22,247,942, plus strand): 5'-TTCCAGAAAGCTTTTAACTGTCCACCCAATTCCACGATGAACAGAGGCATGGACTCCTGC[C>T]GACTCTGGTAGCTGGGACGCTGGTTTATGGCATCCTGAGACAGTTGCACAGTGCCAGCGG-3'

ClinVar aggregate classification (germline): Pathogenic. Review status: criteria provided, multiple submitters, no conflicts (2 of 4 stars). 13 submissions from 13 submitters: Pathogenic (12). 1 of the submissions does not count toward it. Last evaluated 2026-01-26.

Conditions:
PHEX-related disorder. Also called: PHEX-related condition.
Childhood hypophosphatasia. Identifiers: Orphanet 247667, Orphanet 436, MedGen C0220743, MONDO:1010168, OMIM 241510, MONDO:0009428.
Familial X-linked hypophosphatemic vitamin D refractory rickets (XLHRD). Also called: X-Linked Hypophosphatemia; HYPOPHOSPHATEMIC VITAMIN D-RESISTANT RICKETS; Hypophosphatemic Rickets, X-Linked Dominant; Hypophosphatemia, vitamin D-resistant rickets; Vitamin D-resistant rickets, X-linked. Identifiers: Orphanet 89936, MedGen C0733682, MONDO:0010619, OMIM 307800.

Allele frequency attached by ClinVar (database versions not stated): gnomAD exomes below 0.00001; TOPMed 0.00001.

Submissions (13):

Labcorp Genetics (formerly Invitae), Labcorp
Classification: Pathogenic. Last evaluated: 2026-01-26. Review status: criteria provided, single submitter. Criteria: Invitae Variant Classification Sherloc (09022015). Collection method: clinical testing. Allele origin: germline.
Comment: This sequence change creates a premature translational stop signal (p.Arg747*) in the PHEX gene. While this is not anticipated to result in nonsense mediated decay, it is expected to disrupt the last 3 amino acid(s) of the PHEX protein. This variant is not present in population databases (gnomAD no frequency). This premature translational stop signal has been observed in individuals with X-linked dominant hypophosphatemic rickets (PMID: 9199930, 9768674). It has also been observed to segregate with disease in related individuals. ClinVar contains an entry for this variant (Variation ID: 279873). For these reasons, this variant has been classified as Pathogenic.

Women's Health and Genetics/Laboratory Corporation of America, LabCorp
Classification: Pathogenic for Familial X-linked hypophosphatemic vitamin D refractory rickets. Last evaluated: 2025-10-31. Review status: criteria provided, single submitter. Criteria: LabCorp Variant Classification Summary - May 2015. Collection method: clinical testing. Allele origin: germline.
Comment: Variant summary: PHEX c.2239C>T (p.Arg747X) results in a premature termination codon, predicted to cause a truncation of the encoded protein or absence of the protein due to nonsense mediated decay, which are commonly known mechanisms for disease. The variant was absent in 183349 control chromosomes (gnomAD). c.2239C>T has been observed in multiple individuals affected with X-Linked Hypophosphatemic Rickets (Francis_1997, Li_2023). These data indicate that the variant is very likely to be associated with disease. At least one publication reports experimental evidence evaluating an impact on protein function and this variant resulted in intracellular retention and its expression level was markedly decreased (Zheng_2020). The following publications have been ascertained in the context of this evaluation (PMID: 9199930, 32329911, 37334733). ClinVar contains an entry for this variant (Variation ID: 279873). Based on the evidence outlined above, the variant was classified as pathogenic.

Genomic Medicine Center of Excellence, King Faisal Specialist Hospital and Research Centre
Classification: Pathogenic for Familial X-linked hypophosphatemic vitamin D refractory rickets. Last evaluated: 2024-01-12. Review status: criteria provided, single submitter. Criteria: ACMG Guidelines, 2015. Collection method: clinical testing. Allele origin: germline.

Blueprint Genetics
Classification: Pathogenic for PHEX-related disorders. Last evaluated: 2022-09-29. Review status: criteria provided, single submitter. Criteria: ACMG Guidelines, 2015. Collection method: clinical testing. Allele origin: germline. Affected: yes. Observed: 5 variant alleles.

Clinical Genetics Laboratory, Skane University Hospital Lund
Classification: Pathogenic. Last evaluated: 2022-07-13. Review status: criteria provided, single submitter. Criteria: ACMG Guidelines, 2015. Collection method: clinical testing. Allele origin: germline. Affected: yes.

GeneDx
Classification: Pathogenic. Last evaluated: 2022-01-14. Review status: criteria provided, single submitter. Criteria: GeneDx Variant Classification Process June 2021. Collection method: clinical testing. Allele origin: germline. Affected: yes.
Comment: Nonsense variant in the C-terminus predicted to result in protein truncation, as the last 3 amino acids are lost, and other loss-of-function variants have been reported downstream in HGMD; Not observed at significant frequency in large population cohorts (gnomAD); This variant is associated with the following publications: (PMID: 25894638, 24926462, 29505567, 9768674, 9199930, 26051471, 10439971, 11502829, 16055933, 21902834, 30607568, 30682568, 32253725, 32329911, 33666701, 34141703)

Victorian Clinical Genetics Services, Murdoch Childrens Research Institute
Classification: Pathogenic for Familial X-linked hypophosphatemic vitamin D refractory rickets. Last evaluated: 2019-08-28. Review status: criteria provided, single submitter. Criteria: ACMG Guidelines, 2015. Collection method: clinical testing. Allele origin: germline. Inheritance: X-linked dominant inheritance. Affected: yes.
Comment: A hemizygous nonsense variant was identified NM_000444.5(PHEX):c.2239C>T in exon 22 of 22 of the PHEX gene. This nonsense variant is predicted to create a change of arginine to a stop at amino acid position 747 of the protein, NP_000435.3(PHEX):p.(Arg747*), resulting in the loss of normal protein function through truncation. The variant is not present in the gnomAD population database. The variant has previously been reported as pathogenic and segregated with disease in multiple families with X-linked dominant hypophosphatemic rickets (ClinVar, Francis, F. et al. (1997), Holm, I. et al. (2001), Capelli, S. et al. (2015), Acar, S. et al. (2018)). Based on information available at the time of curation, this variant has been classified as PATHOGENIC.

Fulgent Genetics
Classification: Pathogenic for Familial X-linked hypophosphatemic vitamin D refractory rickets. Last evaluated: 2018-10-31. Review status: criteria provided, single submitter. Criteria: ACMG Guidelines, 2015. Collection method: clinical testing. Allele origin: unknown.

Athena Diagnostics
Classification: Pathogenic. Last evaluated: 2017-12-07. Review status: criteria provided, single submitter. Criteria: Athena Diagnostics Criteria. Collection method: clinical testing. Allele origin: germline.

Institute of Human Genetics Munich, TUM University Hospital
Classification: Pathogenic for Familial X-linked hypophosphatemic vitamin D refractory rickets. Last evaluated: 2013-10-28. Review status: criteria provided, single submitter. Criteria: Classification criteria August 2017. Collection method: clinical testing. Allele origin: germline, de novo. Inheritance: X-linked inheritance. Affected: yes. Observed: 2 heterozygotes, 5 hemizygotes.

Clinical Genetics Service, Universitary Hospital 12 de Octubre
Classification: Pathogenic for Familial X-linked hypophosphatemic vitamin D refractory rickets. Review status: criteria provided, single submitter. Criteria: ACMG Guidelines, 2015. Collection method: clinical testing. Allele origin: paternal. Affected: yes.

Kasturba Medical College, Manipal, Kasturba Medical College, Manipal, Manipal Academy of Higher Education, Manipal, India
Classification: Pathogenic for Familial X-linked hypophosphatemic vitamin D refractory rickets. Review status: criteria provided, single submitter. Criteria: ACMG Guidelines, 2015. Collection method: clinical testing. Allele origin: unknown. Inheritance: X-linked dominant inheritance. Affected: yes. Observed: 1 heterozygote.

Department of Pediatric Endocrinology, Shriners Hospitals for Children - Mexico City
No classification provided. Condition: Childhood hypophosphatasia. Review status: no classification provided. Collection method: phenotyping only. Allele origin: germline. Inheritance: X-linked dominant inheritance. Affected: yes. Observed: 3 variant alleles, 2 hemizygotes. Clinical features observed: Hypophosphatemic rickets. Not counted in ClinVar's aggregate classification.

Literature cited by the submitters: PubMed 9199930 (cited by 4 submitters); PubMed 9768674 (cited by Labcorp Genetics (formerly Invitae), Labcorp and Athena Diagnostics); PubMed 32329911 (cited by Women's Health and Genetics/Laboratory Corporation of America, LabCorp); PubMed 37334733 (cited by Women's Health and Genetics/Laboratory Corporation of America, LabCorp); PubMed 10439971 (cited by Athena Diagnostics); PubMed 14564066 (cited by Athena Diagnostics); PubMed 14564077 (cited by Athena Diagnostics); PubMed 16055933 (cited by Athena Diagnostics); PubMed 21902834 (cited by Athena Diagnostics); PubMed 19219621 (cited by Athena Diagnostics).